The following is an entry in ClinVar:

NM_000182.5(HADHA):c.1086-3_1092del

Genes: GAREM2 (GRB2 associated regulator of MAPK1 subtype 2; plus strand), HADHA (hydroxyacyl-CoA dehydrogenase trifunctional multienzyme complex subunit alpha; minus strand). Cytogenetic location: 2p23.3.
Variant type: Deletion.
Coding change: c.1086-3_1092del on transcript NM_000182.5 (MANE Select); 3 bases into the intron before coding-DNA position 1086 through coding-DNA position 1092, 10 bases deleted (CAGGCATCTG; older notation c.1086-3_1092delCAGGCATCTG).
Molecular consequence: splice acceptor variant.
Genome position (GRCh38, 1-based): chr2:26,204,190-26,204,199, CAGATGCCTG deleted on the plus strand (CAGGCATCTG on the coding strand, the reverse complement: HADHA is on the minus strand); deleting any 10 consecutive bases within chr2:26,204,190-26,204,201 gives the same sequence; the c. name uses the placement nearest the transcript's 3' end. VCF-style (leftmost placement, unchanged base first): chr2-26204189-CCAGATGCCTG-C. GRCh37 (hg19) VCF-style: chr2-26427058-CCAGATGCCTG-C.
Other names: c.1086-3_1092del10 (NM_000182.4); c.1086-3_1092delCAGGCATCTG (NM_000182.4).
Identifiers: ClinVar variation 370400 (VCV000370400.16), dbSNP rs1057516460, ClinGen allele CA16040878.

ClinVar aggregate classification (germline): Pathogenic/Likely pathogenic. Review status: criteria provided, multiple submitters, no conflicts (2 of 4 stars). 4 submissions from 4 submitters: Pathogenic (2); Likely pathogenic (1). 1 of the submissions does not count toward it. Last evaluated 2025-12-10.

Conditions:
Mitochondrial trifunctional protein deficiency. Identifiers: Orphanet 746, MedGen C1969443, MONDO:0012172.
Long chain 3-hydroxyacyl-CoA dehydrogenase deficiency. Also called: LCHAD Deficiency; Deficiency of long-chain 3-hydroxyacyl-coenzyme A dehydrogenase. Identifiers: Orphanet 5, MedGen C3711645, MONDO:0012173, OMIM 609016.

Submissions (4):

Natera, Inc.
Classification: Likely pathogenic for Deficiency of long-chain 3-hydroxyacyl-coenzyme A dehydrogenase. Last evaluated: 2025-12-10. Review status: criteria provided, single submitter. Criteria: Natera Variant Classification Schema (03/2026). Collection method: clinical testing. Allele origin: germline.
Comment: The c.1086-3_1092delCAGGCATCTG variant in HADHA is a frameshift variant predicted to shift the reading frame and introduce a stop codon. This variant may result in a truncated or dysfunctional protein product. This variant is rare in the general population with a frequency below the threshold expected for the associated phenotype(s). This variant has been observed in one or more individuals affected with the associated recessive disease, as either homozygous or compound heterozygous with a second variant (PMID: 10352164). Given the available evidence, this variant is classified as Likely Pathogenic.

Labcorp Genetics (formerly Invitae), Labcorp
Classification: Pathogenic for Mitochondrial trifunctional protein deficiency; Long chain 3-hydroxyacyl-CoA dehydrogenase deficiency. Last evaluated: 2023-09-27. Review status: criteria provided, single submitter. Criteria: Invitae Variant Classification Sherloc (09022015). Collection method: clinical testing. Allele origin: germline.
Comment: This variant results in the deletion of part of exon 12 (c.1086-3_1092del) of the HADHA gene. It is expected to disrupt RNA splicing. Variants that disrupt the donor or acceptor splice site typically lead to a loss of protein function (PMID: 16199547), and loss-of-function variants in HADHA are known to be pathogenic (PMID: 7738175, 21103935, 21549624, 22459206). This variant is not present in population databases (gnomAD no frequency). This variant has been observed in individual(s) with long-chain 3-hydroxyacyl-CoA dehydrogenase deficiency (PMID: 10352164). This variant is also known as delta-4 -> 091. ClinVar contains an entry for this variant (Variation ID: 370400). For these reasons, this variant has been classified as Pathogenic.

Baylor Genetics
Classification: Pathogenic for Long chain 3-hydroxyacyl-CoA dehydrogenase deficiency. Last evaluated: 2023-04-06. Review status: criteria provided, single submitter. Criteria: ACMG Guidelines, 2015. Collection method: clinical testing. Allele origin: unknown.

Counsyl
Classification: Likely pathogenic for Long chain 3-hydroxyacyl-CoA dehydrogenase deficiency. Last evaluated: 2016-02-02. Review status: no assertion criteria provided. Collection method: clinical testing. Allele origin: unknown. Not counted in ClinVar's aggregate classification.

Literature cited by the submitters: PubMed 10352164 (cited by 3 submitters); PubMed 16199547 (cited by Labcorp Genetics (formerly Invitae), Labcorp); PubMed 7738175 (cited by Labcorp Genetics (formerly Invitae), Labcorp); PubMed 21103935 (cited by Labcorp Genetics (formerly Invitae), Labcorp); PubMed 21549624 (cited by Labcorp Genetics (formerly Invitae), Labcorp); PubMed 22459206 (cited by Labcorp Genetics (formerly Invitae), Labcorp).